The following is an entry in ClinVar:

NM_001081.4(CUBN):c.*330G>A

Gene: CUBN (cubilin; minus strand). Cytogenetic location: 10p13.
Variant type: single nucleotide variant.
Coding change: c.*330G>A on transcript NM_001081.4 (MANE Select); 330 bases downstream of the stop codon, G replaced by A.
Molecular consequence: 3 prime UTR variant.
Genome position (GRCh38, 1-based): chr10:16,824,645, C>T on the plus strand (G>A on the coding strand, the complement: CUBN is on the minus strand). VCF-style: chr10-16824645-C-T. GRCh37 (hg19) VCF-style: chr10-16866644-C-T.
Identifiers: ClinVar variation 877207 (VCV000877207.5), dbSNP rs181630914, ClinGen allele CA203531161.

ClinVar aggregate classification (germline): Likely benign. Review status: criteria provided, multiple submitters, no conflicts (2 of 4 stars). 2 submissions from 2 submitters: Likely benign (2). Last evaluated 2018-01-13.

Conditions:
Imerslund-Grasbeck syndrome type 1 (IGS1). Also called: Megaloblastic anemia 1, Finnish type; MEGALOBLASTIC ANEMIA, 1; Imerslund-Gräsbeck syndrome 1. Identifiers: MedGen C4016819, MONDO:0100156, OMIM 261100.

Allele frequency attached by ClinVar (database versions not stated): 1000 Genomes Project 0.00280; 1000 Genomes Project 30x 0.00297.
gnomAD v4.1: 424 of 343,644 alleles (0.12%); highest among the groups gnomAD compares: African/African-American, 0.76%; 2 homozygotes.

Submissions (2):

Illumina Laboratory Services, Illumina
Classification: Likely benign for Imerslund-Grasbeck syndrome type 1. Last evaluated: 2018-01-13. Review status: criteria provided, single submitter. Criteria: ICSL Variant Classification Criteria 13 December 2019. Collection method: clinical testing. Allele origin: germline.
Comment: This variant was observed in the ICSL laboratory as part of a predisposition screen in an ostensibly healthy population. It had not been previously curated by ICSL or reported in the Human Gene Mutation Database (HGMD: prior to June 1st, 2018), and was therefore a candidate for classification through an automated scoring system. Utilizing variant allele frequency, disease prevalence and penetrance estimates, and inheritance mode, an automated score was calculated to assess if this variant is too frequent to cause the disease. Based on the score and internal cut-off values, a variant classified as likely benign is not then subjected to further curation. The score for this variant resulted in a classification of likely benign for this disease.

Breakthrough Genomics
Classification: Likely benign. Review status: criteria provided, single submitter. Criteria: ACMG Guidelines, 2015. Collection method: not provided. Allele origin: germline. Inheritance: Autosomal recessive inheritance. Affected: yes.